The following is an entry in ClinVar:

NM_001142800.2(EYS):c.7016del (p.Cys2339fs)

Gene: EYS (EGF-like photoreceptor maintenance factor; minus strand). Cytogenetic location: 6q12.
Variant type: Deletion.
Coding change: c.7016del on transcript NM_001142800.2 (MANE Select); coding-DNA position 7016, one base deleted (G; older notation c.7016delG).
Protein change: p.Cys2339fs; shifts the reading frame from cysteine 2339.
Molecular consequence: frameshift variant.
Genome position (GRCh38, 1-based): chr6:63,984,422, C deleted on the plus strand (G on the coding strand, the reverse complement: EYS is on the minus strand). VCF-style (leftmost placement, unchanged base first): chr6-63984421-AC-A. GRCh37 (hg19) VCF-style: chr6-64694314-AC-A.
Other names: c.7016del, p.Cys2339fs (NM_001292009.2); c.7016del (NM_001142800.1); short protein forms C2339fs.
Identifiers: ClinVar variation 1379849 (VCV001379849.8), dbSNP rs2149792238, ClinGen allele CA2573141115.

ClinVar aggregate classification (germline): Pathogenic/Likely pathogenic. Review status: criteria provided, multiple submitters, no conflicts (2 of 4 stars). 3 submissions from 3 submitters: Pathogenic (1); Likely pathogenic (2). Last evaluated 2026-01-21.

Conditions:
Retinitis pigmentosa 25 (RP25). Identifiers: Orphanet 791, MedGen C1864446, MONDO:0011272, OMIM 602772.

Submissions (3):

Natera, Inc.
Classification: Likely pathogenic for Retinitis pigmentosa type 25. Last evaluated: 2026-01-21. Review status: criteria provided, single submitter. Criteria: Natera Variant Classification Schema (03/2026). Collection method: clinical testing. Allele origin: germline.
Comment: The c.7016del variant in EYS is a frameshift variant predicted to shift the reading frame beginning at codon 2339 and leads to a stop codon 108 codons downstream. This variant is expected to result in nonsense mediated decay, truncation, or a dysfunctional protein product. This variant is rare in the general population with a frequency below the threshold expected for the associated phenotype(s). Given the available evidence, this variant is classified as Likely Pathogenic.

Labcorp Genetics (formerly Invitae), Labcorp
Classification: Pathogenic. Last evaluated: 2025-05-09. Review status: criteria provided, single submitter. Criteria: Invitae Variant Classification Sherloc (09022015). Collection method: clinical testing. Allele origin: germline.
Comment: This sequence change creates a premature translational stop signal (p.Cys2339Leufs*108) in the EYS gene. It is expected to result in an absent or disrupted protein product. Loss-of-function variants in EYS are known to be pathogenic (PMID: 18836446, 20333770). This variant is not present in population databases (gnomAD no frequency). This variant has not been reported in the literature in individuals affected with EYS-related conditions. ClinVar contains an entry for this variant (Variation ID: 1379849). For these reasons, this variant has been classified as Pathogenic.

Fulgent Genetics
Classification: Likely pathogenic for Retinitis pigmentosa 25. Last evaluated: 2024-04-28. Review status: criteria provided, single submitter. Criteria: ACMG Guidelines, 2015. Collection method: clinical testing. Allele origin: germline.

Literature cited by the submitters: PubMed 18836446 (cited by Labcorp Genetics (formerly Invitae), Labcorp); PubMed 20333770 (cited by Labcorp Genetics (formerly Invitae), Labcorp).